The following is an entry in ClinVar:

NM_002439.5(MSH3):c.2512del (p.Ala838fs)

Gene: MSH3 (mutS homolog 3; plus strand). Cytogenetic location: 5q14.1.
Variant type: Deletion.
Coding change: c.2512del on transcript NM_002439.5 (MANE Select); coding-DNA position 2512, one base deleted (G; older notation c.2512delG).
Protein change: p.Ala838fs; shifts the reading frame from alanine 838.
Molecular consequence: frameshift variant.
Genome position (GRCh38, 1-based): chr5:80,787,641, G deleted; the last of 2 consecutive G bases (chr5:80,787,640-80,787,641); deleting either gives the same sequence. VCF-style (leftmost placement, unchanged base first): chr5-80787639-TG-T. GRCh37 (hg19) VCF-style: chr5-80083458-TG-T.
Other names: short protein forms A838fs.
Identifiers: ClinVar variation 2130808 (VCV002130808.4), dbSNP rs2546784353, ClinGen allele CA2580073567.

ClinVar aggregate classification (germline): Pathogenic (1 of 4 stars; one submission).

Submission:

Labcorp Genetics (formerly Invitae), Labcorp
Classification: Pathogenic. Last evaluated: 2025-05-11. Review status: criteria provided, single submitter. Criteria: Invitae Variant Classification Sherloc (09022015). Collection method: clinical testing. Allele origin: germline.
Comment: This sequence change creates a premature translational stop signal (p.Ala838Profs*21) in the MSH3 gene. It is expected to result in an absent or disrupted protein product. Loss-of-function variants in MSH3 are known to be pathogenic (PMID: 27476653, 37402566). This variant is not present in population databases (gnomAD no frequency). This variant has not been reported in the literature in individuals affected with MSH3-related conditions. ClinVar contains an entry for this variant (Variation ID: 2130808). For these reasons, this variant has been classified as Pathogenic.

Literature cited by the submitters: PubMed 27476653; PubMed 37402566.